The following is an entry in ClinVar:

NM_033310.3(KCNK4):c.738C>T (p.Phe246=)

Genes: KCNK4 (potassium two pore domain channel subfamily K member 4; plus strand), KCNK4-CATSPERZ (KCNK4-CATSPERZ readthrough (NMD candidate); plus strand). Cytogenetic location: 11q13.1.
Variant type: single nucleotide variant.
Coding change: c.738C>T on transcript NM_033310.3 (MANE Select); coding-DNA position 738, C replaced by T.
Protein change: p.Phe246=; no amino-acid change (phenylalanine 246 retained).
Molecular consequence: synonymous variant. On other transcripts: non-coding transcript variant (3).
Genome position (GRCh38, 1-based): chr11:64,298,186, C>T. VCF-style: chr11-64298186-C-T. GRCh37 (hg19) VCF-style: chr11-64065658-C-T.
Other names: c.738C>T (NM_033310.2); c.738C>T, p.Phe246= (NM_001317090.2).
Identifiers: ClinVar variation 1562687 (VCV001562687.39), dbSNP rs145581707, ClinGen allele CA6073156.

ClinVar aggregate classification (germline): Benign/Likely benign. Review status: criteria provided, multiple submitters, no conflicts (2 of 4 stars). 4 submissions from 4 submitters: Benign (2); Likely benign (1). 1 of the submissions does not count toward it. Last evaluated 2026-02-02.

Conditions:
KCNK4-related disorder. Also called: KCNK4-related condition.

Allele frequency attached by ClinVar (database versions not stated): gnomAD 0.00007 and 0.00027; TOPMed 0.00017; ESP Exome Variant Server 0.00023; 1000 Genomes Project 0.00080; 1000 Genomes Project 30x 0.00094.
gnomAD v4.1: 772 of 1,613,778 alleles (0.048%); highest among the groups gnomAD compares: South Asian, 0.58%; 6 homozygotes.

Submissions (4):

Labcorp Genetics (formerly Invitae), Labcorp
Classification: Benign. Last evaluated: 2026-02-02. Review status: criteria provided, single submitter. Criteria: Invitae Variant Classification Sherloc (09022015). Collection method: clinical testing. Allele origin: germline.

CeGaT Center for Human Genetics Tuebingen
Classification: Likely benign. Last evaluated: 2022-09-01. Review status: criteria provided, single submitter. Criteria: CeGaT Center For Human Genetics Tuebingen Variant Classification Criteria Version 2. Collection method: clinical testing. Allele origin: germline. Affected: yes. Observed: 1 variant allele.
Comment: KCNK4: BP4, BP7

Breakthrough Genomics
Classification: Benign. Review status: criteria provided, single submitter. Criteria: ACMG Guidelines, 2015. Collection method: not provided. Allele origin: germline. Inheritance: Autosomal dominant inheritance. Affected: yes.

PreventionGenetics, part of Exact Sciences
Classification: Likely benign for KCNK4-related condition. Last evaluated: 2019-04-09. Review status: no assertion criteria provided. Collection method: clinical testing. Allele origin: germline. Not counted in ClinVar's aggregate classification.
Comment: This variant is classified as likely benign based on ACMG/AMP sequence variant interpretation guidelines (Richards et al. 2015 PMID: 25741868, with internal and published modifications).